The following is an entry in ClinVar:

ClinVar aggregate classification (germline): Pathogenic (1 of 4 stars; one submission).

Conditions:
Primary ciliary dyskinesia. Also called: Ciliary dyskinesia. Identifiers: Orphanet 244, MedGen C0008780, MONDO:0016575, HP:0012265.

Submission:

Labcorp Genetics (formerly Invitae), Labcorp
Classification: Pathogenic for Primary ciliary dyskinesia. Last evaluated: 2023-12-03. Review status: criteria provided, single submitter. Criteria: Invitae Variant Classification Sherloc (09022015). Collection method: clinical testing. Allele origin: germline.
Comment: This sequence change creates a premature translational stop signal (p.Phe1514Trpfs*6) in the DNAH5 gene. It is expected to result in an absent or disrupted protein product. Loss-of-function variants in DNAH5 are known to be pathogenic (PMID: 11788826, 16627867). This variant is not present in population databases (gnomAD no frequency). This variant has not been reported in the literature in individuals affected with DNAH5-related conditions. For these reasons, this variant has been classified as Pathogenic.

Literature cited by the submitters: PubMed 11788826; PubMed 16627867.

NM_001369.3(DNAH5):c.4541_4559del (p.Phe1514fs)

Genes: DNAH5 (dynein axonemal heavy chain 5; minus strand), DNAH5-AS1 (DNAH5 antisense RNA 1; plus strand). Cytogenetic location: 5p15.2.
Variant type: Deletion.
Coding change: c.4541_4559del on transcript NM_001369.3 (MANE Select); coding-DNA positions 4541 to 4559, 19 bases deleted (TTAAGTTAAGAAATATCAT).
Protein change: p.Phe1514fs; shifts the reading frame from phenylalanine 1514.
Molecular consequence: frameshift variant.
Genome position (GRCh38, 1-based): chr5:13,864,434-13,864,452, ATGATATTTCTTAACTTAA deleted on the plus strand (TTAAGTTAAGAAATATCAT on the coding strand, the reverse complement: DNAH5 is on the minus strand); deleting any 19 consecutive bases within chr5:13,864,434-13,864,453 gives the same sequence; the c. name uses the placement nearest the transcript's 3' end. VCF-style (leftmost placement, unchanged base first): chr5-13864433-CATGATATTTCTTAACTTAA-C. GRCh37 (hg19) VCF-style: chr5-13864542-CATGATATTTCTTAACTTAA-C.
Other names: short protein forms F1514fs.
Identifiers: ClinVar variation 2700623 (VCV002700623.3), dbSNP rs2546978367, ClinGen allele CA2697547039.